The following is an entry in ClinVar:

NM_014191.4(SCN8A):c.644A>G (p.Asn215Ser)

Gene: SCN8A (sodium voltage-gated channel alpha subunit 8; plus strand). Cytogenetic location: 12q13.13.
Variant type: single nucleotide variant.
Coding change: c.644A>G on transcript NM_014191.4 (MANE Plus Clinical); coding-DNA position 644, A replaced by G.
Protein change: p.Asn215Ser; replaces asparagine 215 with serine.
Molecular consequence: missense variant. On other transcripts: intron variant (2).
Genome position (GRCh38, 1-based): chr12:51,688,787, A>G. VCF-style: chr12-51688787-A-G. GRCh37 (hg19) VCF-style: chr12-52082571-A-G.
Other names: c.644A>G, p.Asn215Ser (NM_001177984.3); c.615-218A>G (NM_001330260.2, NM_001369788.1); short protein forms N215S.
Identifiers: ClinVar variation 4526558 (VCV004526558.1).

ClinVar aggregate classification (germline): Likely pathogenic (1 of 4 stars; one submission).

Conditions:
Cognitive impairment with or without cerebellar ataxia (CIAT). Identifiers: MedGen C3280415, MONDO:0013680, OMIM 614306.

Submission:

MVZ Medizinische Genetik Mainz
Classification: Likely pathogenic for Cognitive impairment with or without cerebellar ataxia. Last evaluated: 2024-04-19. Review status: criteria provided, single submitter. Criteria: UK Practice Guidelines For Variant Classification V4 01 2020. Collection method: clinical testing. Allele origin: germline. Inheritance: Autosomal dominant inheritance. Affected: yes. Observed: 1 variant allele.
Comment: ACMG Criteria: PM5,PP3_MOD,PS4_SUP,PM2_SUP,PP2